The following is an entry in ClinVar:

NM_001377265.1(MAPT):c.1516G>A (p.Val506Met)

Gene: MAPT (microtubule associated protein tau). Cytogenetic location: 17q21.31.
Variant type: single nucleotide variant.
Coding change: c.1516G>A on transcript NM_001377265.1 (MANE Select); coding-DNA position 1516, G replaced by A.
Protein change: p.Val506Met; replaces valine 506 with methionine.
Molecular consequence: missense variant. On other transcripts: intron variant (9).
Genome position (GRCh38, 1-based): chr17:45,989,986, G>A. VCF-style: chr17-45989986-G-A. GRCh37 (hg19) VCF-style: chr17-44067352-G-A.
Other names: c.1291G>A, p.Val431Met (NM_001123066.4, NM_016835.5); c.256-1474G>A (NM_001377268.1, NM_016834.5, NM_016841.5); c.430-1474G>A (NM_005910.6, NM_001203252.2); c.1408-1474G>A (NM_001377266.1); c.343-1474G>A (NM_001123067.4, NM_001203251.2, NM_001377267.1); short protein forms V431M, V506M.
Identifiers: ClinVar variation 504202 (VCV000504202.2), dbSNP rs375359117, ClinGen allele CA8617917.

ClinVar aggregate classification (germline): Uncertain significance (1 of 4 stars; one submission).

Allele frequency attached by ClinVar (database versions not stated): gnomAD exomes below 0.00001 and 0.00001; ExAC 0.00001; gnomAD 0.00001; ESP Exome Variant Server 0.00008.
gnomAD v4.1: 5 of 1,614,044 alleles (0.00031%); highest among the groups gnomAD compares: African/African-American, 0.004%; no homozygotes.

Submission:

GeneDx
Classification: Uncertain significance. Last evaluated: 2018-02-05. Review status: criteria provided, single submitter. Criteria: GeneDx Variant Classification (06012015). Collection method: clinical testing. Allele origin: germline. Affected: yes.
Comment: The V431M variant, present in an alternate transcript of the MAPT gene, has not been reportedpreviously as a pathogenic variant, nor as a benign variant, to our knowledge. The V431M variant isobserved in 2/277218 (0.0007%) alleles in large population cohorts (Lek et al., 2016). The V431Mvariant is a conservative amino acid substitution, which is not likely to impact secondary proteinstructure as these residues share similar properties. In-silico analyses, including protein predictors and evolutionary conservation, support that this variant does not alter protein structure/function. We interpret V431M as a variant of uncertain significance.